The following is an entry in ClinVar:

NM_012062.5(DNM1L):c.2154+41_2154+44del

Gene: DNM1L (dynamin 1 like; plus strand). Cytogenetic location: 12p11.21.
Variant type: Microsatellite.
Coding change: c.2154+41_2154+44del on transcript NM_012062.5 (MANE Select); bases 41 to 44 of the intron after coding-DNA position 2154, 4 bases deleted (TAGA; older notation c.2154+41_2154+44delTAGA).
Molecular consequence: intron variant.
Genome position (GRCh38, 1-based): chr12:32,742,789-32,742,792, TAGA deleted; deleting any 4 consecutive bases within chr12:32,742,785-32,742,792 gives the same sequence; the c. name uses the placement nearest the transcript's 3' end. VCF-style (leftmost placement, unchanged base first): chr12-32742784-GTAGA-G. GRCh37 (hg19) VCF-style: chr12-32895718-GTAGA-G.
Other names: c.2193+41_2193+44del (NM_001278464.2); c.2160+41_2160+44del (NM_001278465.2); c.2082+41_2082+44del (NM_001330380.2); c.1545+41_1545+44del (NM_001278466.2); c.2121+41_2121+44del (NM_001278463.2); c.2076+41_2076+44del (NM_012063.4); c.2043+41_2043+44del (NM_005690.5).
Identifiers: ClinVar variation 1707303 (VCV001707303.2), dbSNP rs143825135, ClinGen allele CA6507779.

ClinVar aggregate classification (germline): Likely benign (1 of 4 stars; one submission).

Submission:

GeneDx
Classification: Likely benign. Last evaluated: 2019-02-04. Review status: criteria provided, single submitter. Criteria: GeneDx Variant Classification Process June 2021. Collection method: clinical testing. Allele origin: germline. Affected: yes.
Comment: See Variant Classification Assertion Criteria.